The following is an entry in ClinVar:

ClinVar aggregate classification (germline): Uncertain significance. Review status: criteria provided, multiple submitters, no conflicts (2 of 4 stars). 3 submissions from 3 submitters: Uncertain significance (3). Last evaluated 2025-05-28.

Conditions:
Inborn genetic diseases. Identifiers: MedGen C0950123, MeSH D030342.
Combined immunodeficiency due to LRBA deficiency. Also called: Common variable immunodeficiency 8, with autoimmunity. Identifiers: Orphanet 445018, MedGen C3553512, MONDO:0013863, OMIM 614700.

Allele frequency attached by ClinVar (database versions not stated): gnomAD 0.00003 and 0.00004; TOPMed 0.00003; ExAC 0.00005; gnomAD exomes 0.00005 and 0.00012; 1000 Genomes Project 30x 0.00016; 1000 Genomes Project 0.00020.
gnomAD v4.1: 179 of 1,614,084 alleles (0.011%); highest among the groups gnomAD compares: Non-Finnish European, 0.015%; no homozygotes.

Submissions (3):

Ambry Genetics
Classification: Uncertain significance for Inborn genetic diseases. Last evaluated: 2025-05-28. Review status: criteria provided, single submitter. Criteria: Ambry Variant Classification Scheme 2023. Collection method: clinical testing. Allele origin: germline.

Mayo Clinic Laboratories, Mayo Clinic
Classification: Uncertain significance. Last evaluated: 2024-01-08. Review status: criteria provided, single submitter. Criteria: ACMG Guidelines, 2015. Collection method: clinical testing. Allele origin: germline. Observed: 1 variant allele.
Comment: BP4

Labcorp Genetics (formerly Invitae), Labcorp
Classification: Uncertain significance for Combined immunodeficiency due to LRBA deficiency. Last evaluated: 2022-04-30. Review status: criteria provided, single submitter. Criteria: Invitae Variant Classification Sherloc (09022015). Collection method: clinical testing. Allele origin: germline.
Comment: This sequence change replaces aspartic acid, which is acidic and polar, with histidine, which is basic and polar, at codon 1168 of the LRBA protein (p.Asp1168His). This variant is present in population databases (rs192884543, gnomAD 0.01%). This variant has not been reported in the literature in individuals affected with LRBA-related conditions. ClinVar contains an entry for this variant (Variation ID: 853240). Algorithms developed to predict the effect of missense changes on protein structure and function are either unavailable or do not agree on the potential impact of this missense change (SIFT: "Tolerated"; PolyPhen-2: "Possibly Damaging"; Align-GVGD: "Class C0"). In summary, the available evidence is currently insufficient to determine the role of this variant in disease. Therefore, it has been classified as a Variant of Uncertain Significance.

NM_001364905.1(LRBA):c.3502G>C (p.Asp1168His)

Gene: LRBA (LPS responsive beige-like anchor protein; minus strand). Cytogenetic location: 4q31.3.
Variant type: single nucleotide variant.
Coding change: c.3502G>C on transcript NM_001364905.1 (MANE Select); coding-DNA position 3502, G replaced by C.
Protein change: p.Asp1168His; replaces aspartic acid 1168 with histidine.
Molecular consequence: missense variant.
Genome position (GRCh38, 1-based): chr4:150,852,208, C>G on the plus strand (G>C on the coding strand, the complement: LRBA is on the minus strand). VCF-style: chr4-150852208-C-G. GRCh37 (hg19) VCF-style: chr4-151773360-C-G.
Other names: p.Asp1168His; c.3502G>C, p.Asp1168His (NM_001199282.3, NM_001367550.1, NM_006726.5); short protein forms D1168H.
Identifiers: ClinVar variation 853240 (VCV000853240.10), dbSNP rs192884543, ClinGen allele CA3103036.
Genomic context (GRCh38, chr4:150,852,208, plus strand): 5'-AAGACCCTGATGCTGTCATAGTCTGAATTCCAGAATCTTTAGAATCTTGAGTTTCAGTAT[C>G]AGTTTGCTTTTCAGTAACAGGTTTTCCTTCTTGAAATATTAATTTGTCATCATTACCAAA-3'
Protein context (NP_001351834.1, residues 1158-1178): EGKPVTEKQT[Asp1168His]TETQDSKDSG